The following is an entry in ClinVar:

NM_002485.5(NBN):c.340G>T (p.Val114Phe)

Gene: NBN (nibrin; minus strand). Cytogenetic location: 8q21.3.
Variant type: single nucleotide variant.
Coding change: c.340G>T on transcript NM_002485.5 (MANE Select); coding-DNA position 340, G replaced by T.
Protein change: p.Val114Phe; replaces valine 114 with phenylalanine.
Molecular consequence: missense variant.
Genome position (GRCh38, 1-based): chr8:89,980,874, C>A on the plus strand (G>T on the coding strand, the complement: NBN is on the minus strand). VCF-style: chr8-89980874-C-A. GRCh37 (hg19) VCF-style: chr8-90993102-C-A.
Other names: c.94G>T, p.Val32Phe (NM_001024688.3); short protein forms V114F, V32F.
Identifiers: ClinVar variation 219644 (VCV000219644.31), dbSNP rs771034958, ClinGen allele CA350859.

ClinVar aggregate classification (germline): Conflicting classifications of pathogenicity. Review status: criteria provided, conflicting classifications (1 of 4 stars). 9 submissions from 9 submitters: Likely pathogenic (1); Uncertain significance (6). 2 of the submissions do not count toward it. Last evaluated 2025-09-19.

Conditions:
Hereditary cancer-predisposing syndrome. Also called: Tumor predisposition; Hereditary neoplastic syndrome; Neoplastic Syndromes, Hereditary; Hereditary Cancer Syndrome. Identifiers: Orphanet 140162, MedGen C0027672, MeSH D009386, MONDO:0015356.
Microcephaly, normal intelligence and immunodeficiency (NBS). Also called: Immunodeficiency, microcephaly with normal intelligence; BERLIN BREAKAGE SYNDROME; IMMUNODEFICIENCY, MICROCEPHALY, AND CHROMOSOMAL INSTABILITY; SEEMANOVA SYNDROME II; Ataxia telangiectasia variant V1; Nijmegen breakage syndrome. Identifiers: Orphanet 647, MedGen C0398791, MONDO:0009623, OMIM 251260.
Aplastic anemia. Identifiers: Orphanet 182040, Orphanet 88, MedGen C0002874, MONDO:0015909, OMIM 609135, HP:0001915.
Acute lymphoid leukemia (ALL). Also called: Leukemia, acute lymphoblastic, somatic; Lymphoblastic leukemia; Acute lymphoblastic leukemia; Acute lymphocytic leukemia. Identifiers: Orphanet 513, MedGen C0023449, MONDO:0004967, OMIM 613065, HP:0006721.

gnomAD v4.1: 2 of 1,612,648 alleles (0.00012%); highest among the groups gnomAD compares: Middle Eastern, 0.017%; no homozygotes.

Submissions (9):

Labcorp Genetics (formerly Invitae), Labcorp
Classification: Uncertain significance for Microcephaly, normal intelligence and immunodeficiency. Last evaluated: 2025-09-19. Review status: criteria provided, single submitter. Criteria: Invitae Variant Classification Sherloc (09022015). Collection method: clinical testing. Allele origin: germline.
Comment: This sequence change replaces valine, which is neutral and non-polar, with phenylalanine, which is neutral and non-polar, at codon 114 of the NBN protein (p.Val114Phe). RNA analysis indicates that this missense change induces altered splicing and may result in an absent or altered protein product. This variant is not present in population databases (gnomAD no frequency). This missense change has been observed in individual(s) with personal and family history of breast cancer, uterine cancer and ovarian cancer (PMID: 28202063). ClinVar contains an entry for this variant (Variation ID: 219644). An algorithm developed to predict the effect of missense changes on protein structure and function (PolyPhen-2) suggests that this variant is likely to be disruptive. Studies have shown that this missense change results in activation of a cryptic splice site, and produces a non-functional protein and/or introduces a premature termination codon (internal data). In summary, the available evidence is currently insufficient to determine the role of this variant in disease. Therefore, it has been classified as a Variant of Uncertain Significance.

Ambry Genetics
Classification: Uncertain significance for Hereditary cancer-predisposing syndrome. Last evaluated: 2025-06-18. Review status: criteria provided, single submitter. Criteria: Ambry Variant Classification Scheme 2023. Collection method: clinical testing. Allele origin: germline.
Comment: The p.V114F variant (also known as c.340G>T), located in coding exon 4 of the NBN gene, results from a G to T substitution at nucleotide position 340. The valine at codon 114 is replaced by phenylalanine, an amino acid with highly similar properties. This alteration was not observed in 7,051 unselected female breast cancer patients and was observed with an allele frequency of 0.00009 in 11,241 female controls of Japanese ancestry (Momozawa Y et al. Nat Commun, 2018 10;9:4083). This amino acid position is highly conserved in available vertebrate species. In addition, this alteration is predicted to be deleterious by in silico analysis. Since supporting evidence is limited at this time, the clinical significance of this alteration remains unclear.

Baylor Genetics
Classification: Likely pathogenic for Aplastic anemia. Last evaluated: 2023-10-18. Review status: criteria provided, single submitter. Criteria: ACMG Guidelines, 2015. Collection method: clinical testing. Allele origin: unknown.

GeneDx
Classification: Uncertain significance. Last evaluated: 2022-09-09. Review status: criteria provided, single submitter. Criteria: GeneDx Variant Classification Process June 2021. Collection method: clinical testing. Allele origin: germline. Affected: yes.
Comment: Not observed at significant frequency in large population cohorts (gnomAD); In silico analysis supports that this missense variant has a deleterious effect on protein structure/function; Identified in individuals with breast cancer, but also in unaffected controls (Jalkh et al., 2017; Momozawa et al., 2018); This variant is associated with the following publications: (PMID: 28202063, 24894818, 30287823)

Genome-Nilou Lab
Classification: Uncertain significance for Microcephaly, normal intelligence and immunodeficiency. Last evaluated: 2021-11-07. Review status: criteria provided, single submitter. Criteria: ACMG Guidelines, 2015. Collection method: clinical testing. Allele origin: germline. Affected: no.

Fulgent Genetics
Classification: Uncertain significance for Microcephaly, normal intelligence and immunodeficiency; Aplastic anemia; Acute lymphoid leukemia. Last evaluated: 2018-10-31. Review status: criteria provided, single submitter. Criteria: ACMG Guidelines, 2015. Collection method: clinical testing. Allele origin: unknown.

Quest Diagnostics Nichols Institute San Juan Capistrano
Classification: Uncertain significance. Last evaluated: 2017-07-21. Review status: criteria provided, single submitter. Criteria: Quest Diagnostics criteria. Collection method: clinical testing. Allele origin: germline.

Natera, Inc.
Classification: Uncertain significance for Nijmegen breakage syndrome. Last evaluated: 2020-09-28. Review status: no assertion criteria provided. Collection method: clinical testing. Allele origin: germline. Not counted in ClinVar's aggregate classification.

Counsyl
Classification: Uncertain significance for Microcephaly, normal intelligence and immunodeficiency. Last evaluated: 2017-10-24. Review status: no assertion criteria provided. Collection method: clinical testing. Allele origin: unknown. Not counted in ClinVar's aggregate classification.

Literature cited by the submitters: PubMed 28202063 (cited by 3 submitters); PubMed 30287823 (cited by Ambry Genetics).